The following is an entry in ClinVar:

NM_001020658.2(PUM1):c.3343T>C (p.Tyr1115His)

Gene: PUM1 (pumilio RNA binding family member 1; minus strand). Cytogenetic location: 1p35.2.
Variant type: single nucleotide variant.
Coding change: c.3343T>C on transcript NM_001020658.2 (MANE Select); coding-DNA position 3343, T replaced by C.
Protein change: p.Tyr1115His; replaces tyrosine 1115 with histidine.
Molecular consequence: missense variant.
Genome position (GRCh38, 1-based): chr1:30,936,735, A>G on the plus strand (T>C on the coding strand, the complement: PUM1 is on the minus strand). VCF-style: chr1-30936735-A-G. GRCh37 (hg19) VCF-style: chr1-31409582-A-G.
Other names: c.3337T>C, p.Tyr1113His (NM_014676.3); short protein forms Y1113H, Y1115H.
Identifiers: ClinVar variation 3252923 (VCV003252923.2), dbSNP rs759936107.

ClinVar aggregate classification (germline): Uncertain significance (1 of 4 stars; one submission).

Allele frequency attached by ClinVar (database versions not stated): TOPMed below 0.00001; gnomAD exomes below 0.00001; ExAC 0.00001.
gnomAD v4.1: 4 of 1,614,134 alleles (0.00025%); highest among the groups gnomAD compares: Non-Finnish European, 0.00034%; no homozygotes.

Submission:

GeneDx
Classification: Uncertain significance. Last evaluated: 2026-10-01. Review status: criteria provided, single submitter. Criteria: GeneDx Variant Classification Process June 2021. Collection method: clinical testing. Allele origin: germline.
Comment: Not observed at a significant frequency in large population cohorts (gnomAD); In silico analysis supports that this missense variant does not alter protein structure/function; Has not been previously published as pathogenic or benign to our knowledge